The following is an entry in ClinVar:

NM_001378454.1(ALMS1):c.1933C>G (p.Pro645Ala)

Gene: ALMS1 (ALMS1 centrosome and basal body associated protein; plus strand). Cytogenetic location: 2p13.1.
Variant type: single nucleotide variant.
Coding change: c.1933C>G on transcript NM_001378454.1 (MANE Select); coding-DNA position 1933, C replaced by G.
Protein change: p.Pro645Ala; replaces proline 645 with alanine.
Molecular consequence: missense variant.
Genome position (GRCh38, 1-based): chr2:73,448,460, C>G. VCF-style: chr2-73448460-C-G. GRCh37 (hg19) VCF-style: chr2-73675587-C-G.
Other names: c.1936C>G, p.Pro646Ala (NM_015120.4); short protein forms P645A, P646A.
Identifiers: ClinVar variation 968224 (VCV000968224.7), dbSNP rs146234123, ClinGen allele CA1713244.

ClinVar aggregate classification (germline): Uncertain significance. Review status: criteria provided, multiple submitters, no conflicts (2 of 4 stars). 3 submissions from 3 submitters: Uncertain significance (3). Last evaluated 2024-12-02.

Conditions:
Cardiovascular phenotype. Identifiers: MedGen CN230736.
Alstrom syndrome (ALMS). Identifiers: Orphanet 64, MedGen C0268425, MONDO:0008763, OMIM 203800.

Allele frequency attached by ClinVar (database versions not stated): TOPMed 0.00002; 1000 Genomes Project 0.00020; 1000 Genomes Project 30x 0.00031.
gnomAD v4.1: 34 of 1,612,800 alleles (0.0021%); highest among the groups gnomAD compares: East Asian, 0.029%; no homozygotes.

Submissions (3):

Labcorp Genetics (formerly Invitae), Labcorp
Classification: Uncertain significance for Alstrom syndrome. Last evaluated: 2024-12-02. Review status: criteria provided, single submitter. Criteria: Invitae Variant Classification Sherloc (09022015). Collection method: clinical testing. Allele origin: germline.
Comment: This sequence change replaces proline, which is neutral and non-polar, with alanine, which is neutral and non-polar, at codon 646 of the ALMS1 protein (p.Pro646Ala). This variant is present in population databases (rs146234123, gnomAD 0.07%). This variant has not been reported in the literature in individuals affected with ALMS1-related conditions. ClinVar contains an entry for this variant (Variation ID: 968224). An algorithm developed to predict the effect of missense changes on protein structure and function outputs the following: PolyPhen-2: "Not Available". The alanine amino acid residue is found in multiple mammalian species, which suggests that this missense change does not adversely affect protein function. In summary, the available evidence is currently insufficient to determine the role of this variant in disease. Therefore, it has been classified as a Variant of Uncertain Significance.

Fulgent Genetics
Classification: Uncertain significance for Alstrom syndrome. Last evaluated: 2021-08-24. Review status: criteria provided, single submitter. Criteria: ACMG Guidelines, 2015. Collection method: clinical testing. Allele origin: unknown.

Ambry Genetics
Classification: Uncertain significance for Cardiovascular phenotype. Last evaluated: 2020-06-23. Review status: criteria provided, single submitter. Criteria: Ambry Variant Classification Scheme 2023. Collection method: clinical testing. Allele origin: germline.
Comment: The p.P646A variant (also known as c.1936C>G), located in coding exon 8 of the ALMS1 gene, results from a C to G substitution at nucleotide position 1936. The proline at codon 646 is replaced by alanine, an amino acid with highly similar properties. This amino acid position is poorly conserved in available vertebrate species. In addition, this alteration is predicted to be tolerated by in silico analysis. Since supporting evidence is limited at this time, the clinical significance of this alteration remains unclear.